The following is an entry in ClinVar:

ClinVar aggregate classification (germline): Uncertain significance (1 of 4 stars; one submission).

Submission:

GeneDx
Classification: Uncertain significance. Last evaluated: 2024-11-22. Review status: criteria provided, single submitter. Criteria: GeneDx Variant Classification Process June 2021. Collection method: clinical testing. Allele origin: germline. Affected: yes.
Comment: Not observed at significant frequency in large population cohorts (gnomAD); In silico analysis indicates that this missense variant does not alter protein structure/function; Has not been previously published as pathogenic or benign to our knowledge

NM_138691.3(TMC1):c.2269G>A (p.Ala757Thr)

Gene: TMC1 (transmembrane channel like 1; plus strand). Cytogenetic location: 9q21.13.
Variant type: single nucleotide variant.
Coding change: c.2269G>A on transcript NM_138691.3 (MANE Select); coding-DNA position 2269, G replaced by A.
Protein change: p.Ala757Thr; replaces alanine 757 with threonine.
Molecular consequence: missense variant.
Genome position (GRCh38, 1-based): chr9:72,835,959, G>A. VCF-style: chr9-72835959-G-A. GRCh37 (hg19) VCF-style: chr9-75450875-G-A.
Other names: short protein forms A757T.
Identifiers: ClinVar variation 3900587 (VCV003900587.1).